The following is an entry in ClinVar:

NM_000493.4(COL10A1):c.1384T>C (p.Phe462Leu)

Genes: COL10A1 (collagen type X alpha 1 chain; minus strand), NT5DC1 (5'-nucleotidase domain containing 1; plus strand). Cytogenetic location: 6q22.1.
Variant type: single nucleotide variant.
Coding change: c.1384T>C on transcript NM_000493.4 (MANE Select); coding-DNA position 1384, T replaced by C.
Protein change: p.Phe462Leu; replaces phenylalanine 462 with leucine.
Molecular consequence: missense variant. On other transcripts: intron variant (1).
Genome position (GRCh38, 1-based): chr6:116,120,732, A>G on the plus strand (T>C on the coding strand, the complement: COL10A1 is on the minus strand). VCF-style: chr6-116120732-A-G. GRCh37 (hg19) VCF-style: chr6-116441895-A-G.
Other names: c.1384T>C, p.Phe462Leu (NM_001424106.1, NM_001424107.1); c.529+2787A>G (NM_152729.3); c.1384T>C (NM_000493.3); short protein forms F462L.
Identifiers: ClinVar variation 1461399 (VCV001461399.7), dbSNP rs143928308, ClinGen allele CA3968187.

ClinVar aggregate classification (germline): Uncertain significance. Review status: criteria provided, multiple submitters, no conflicts (2 of 4 stars). 2 submissions from 2 submitters: Uncertain significance (2). Last evaluated 2024-11-09.

Conditions:
Inborn genetic diseases. Identifiers: MedGen C0950123, MeSH D030342.

Allele frequency attached by ClinVar (database versions not stated): gnomAD exomes below 0.00001 and 0.00001; ExAC 0.00001; TOPMed 0.00007; gnomAD 0.00008 and 0.00009; ESP Exome Variant Server 0.00015.
gnomAD v4.1: 13 of 1,589,458 alleles (0.00082%); highest among the groups gnomAD compares: African/African-American, 0.016%; no homozygotes.

Submissions (2):

Ambry Genetics
Classification: Uncertain significance for Inborn genetic diseases. Last evaluated: 2024-11-09. Review status: criteria provided, single submitter. Criteria: Ambry Variant Classification Scheme 2023. Collection method: clinical testing. Allele origin: germline.

Labcorp Genetics (formerly Invitae), Labcorp
Classification: Uncertain significance. Last evaluated: 2021-11-15. Review status: criteria provided, single submitter. Criteria: Invitae Variant Classification Sherloc (09022015). Collection method: clinical testing. Allele origin: germline.
Comment: This variant has not been reported in the literature in individuals affected with COL10A1-related conditions. This variant is present in population databases (rs143928308, gnomAD 0.03%). This sequence change replaces phenylalanine, which is neutral and non-polar, with leucine, which is neutral and non-polar, at codon 462 of the COL10A1 protein (p.Phe462Leu). Algorithms developed to predict the effect of missense changes on protein structure and function output the following: SIFT: "Tolerated"; PolyPhen-2: "Not Available"; Align-GVGD: "Class C0". The leucine amino acid residue is found in multiple mammalian species, which suggests that this missense change does not adversely affect protein function. In summary, the available evidence is currently insufficient to determine the role of this variant in disease. Therefore, it has been classified as a Variant of Uncertain Significance.